The following is an entry in ClinVar:

NM_005215.4(DCC):c.4186C>T (p.Pro1396Ser)

Gene: DCC (DCC netrin 1 receptor; plus strand). Cytogenetic location: 18q21.2.
Variant type: single nucleotide variant.
Coding change: c.4186C>T on transcript NM_005215.4 (MANE Select); coding-DNA position 4186, C replaced by T.
Protein change: p.Pro1396Ser; replaces proline 1396 with serine.
Molecular consequence: missense variant.
Genome position (GRCh38, 1-based): chr18:53,526,691, C>T. VCF-style: chr18-53526691-C-T. GRCh37 (hg19) VCF-style: chr18-51053061-C-T.
Other names: short protein forms P1396S.
Identifiers: ClinVar variation 2504815 (VCV002504815.1), dbSNP rs2511519091, ClinGen allele CA402518961.

ClinVar aggregate classification (germline): Uncertain significance (1 of 4 stars; one submission).

Submission:

GeneDx
Classification: Uncertain significance. Last evaluated: 2022-12-07. Review status: criteria provided, single submitter. Criteria: GeneDx Variant Classification Process June 2021. Collection method: clinical testing. Allele origin: germline. Affected: yes.
Comment: Not observed at significant frequency in large population cohorts (gnomAD); In silico analysis supports that this missense variant has a deleterious effect on protein structure/function; Has not been previously published as pathogenic or benign to our knowledge